The following is an entry in ClinVar:

NM_007348.4(ATF6):c.360G>A (p.Glu120=)

Gene: ATF6 (activating transcription factor 6; plus strand). Cytogenetic location: 1q23.3.
Variant type: single nucleotide variant.
Coding change: c.360G>A on transcript NM_007348.4 (MANE Select); coding-DNA position 360, G replaced by A.
Protein change: p.Glu120=; no amino-acid change (glutamic acid 120 retained).
Molecular consequence: synonymous variant.
Genome position (GRCh38, 1-based): chr1:161,791,413, G>A. VCF-style: chr1-161791413-G-A. GRCh37 (hg19) VCF-style: chr1-161761203-G-A.
Identifiers: ClinVar variation 774159 (VCV000774159.51), dbSNP rs141465868, ClinGen allele CA1214186.

ClinVar aggregate classification (germline): Benign/Likely benign. Review status: criteria provided, multiple submitters, no conflicts (2 of 4 stars). 6 submissions from 6 submitters: Benign (1); Likely benign (3). 2 of the submissions do not count toward it. Last evaluated 2026-01-19.

Allele frequency attached by ClinVar (database versions not stated): ExAC 0.00117; gnomAD exomes 0.00119 and 0.00133; 1000 Genomes Project 0.00120; 1000 Genomes Project 30x 0.00141; gnomAD 0.00172 and 0.00176; TOPMed 0.00172; ESP Exome Variant Server 0.00085.
gnomAD v4.1: 2,054 of 1,607,292 alleles (0.13%); highest among the groups gnomAD compares: Middle Eastern, 1.7%; 12 homozygotes.

Submissions (6):

Labcorp Genetics (formerly Invitae), Labcorp
Classification: Benign. Last evaluated: 2026-01-19. Review status: criteria provided, single submitter. Criteria: Invitae Variant Classification Sherloc (09022015). Collection method: clinical testing. Allele origin: germline.

CeGaT Center for Human Genetics Tuebingen
Classification: Likely benign. Last evaluated: 2025-11-01. Review status: criteria provided, single submitter. Criteria: CeGaT Center For Human Genetics Tuebingen Variant Classification Criteria Version 2. Collection method: clinical testing. Allele origin: germline. Affected: yes. Observed: 4 variant alleles.
Comment: ATF6: BP4, BS2

Blueprint Genetics
Classification: Likely benign. Last evaluated: 2024-11-13. Review status: criteria provided, single submitter. Criteria: ACMG Guidelines, 2015. Collection method: clinical testing. Allele origin: germline.

Breakthrough Genomics
Classification: Likely benign. Review status: criteria provided, single submitter. Criteria: ACMG Guidelines, 2015. Collection method: not provided. Allele origin: germline. Inheritance: Autosomal recessive inheritance. Affected: yes.

Clinical Genetics DNA and cytogenetics Diagnostics Lab, Erasmus MC, Erasmus Medical Center
Classification: Likely benign. Review status: no assertion criteria provided. Collection method: clinical testing. Allele origin: germline. Affected: yes. Study: VKGL Data-share Consensus. Not counted in ClinVar's aggregate classification.

Clinical Genetics, Academic Medical Center
Classification: Benign. Review status: no assertion criteria provided. Collection method: clinical testing. Allele origin: germline. Affected: yes. Study: VKGL Data-share Consensus. Not counted in ClinVar's aggregate classification.